The following is an entry in ClinVar:

NM_001174147.2(LMX1B):c.1200C>T (p.Phe400=)

Gene: LMX1B (LIM homeobox transcription factor 1 beta; plus strand). Cytogenetic location: 9q33.3.
Variant type: single nucleotide variant.
Coding change: c.1200C>T on transcript NM_001174147.2 (MANE Select); coding-DNA position 1200, C replaced by T.
Protein change: p.Phe400=; no amino-acid change (phenylalanine 400 retained).
Molecular consequence: synonymous variant.
Genome position (GRCh38, 1-based): chr9:126,696,442, C>T. VCF-style: chr9-126696442-C-T. GRCh37 (hg19) VCF-style: chr9-129458721-C-T.
Other names: c.1212C>T, p.Phe404= (NM_001174146.2); c.1179C>T, p.Phe393= (NM_002316.4).
Identifiers: ClinVar variation 913733 (VCV000913733.15), dbSNP rs372183654, ClinGen allele CA5242588.
Genomic context (GRCh38, chr9:126,696,442, plus strand): 5'-CCTGCAGGCCCGCGTGGGGAACCCCATCGACCGGCTCTACTCCATGCAGAGTTCCTACTT[C>T]GCCTCCTGAGAGCCAGCCAGGCGCACGGACGCTTGGGCAGGGGCCTGGGGGGGACTGCCA-3'
Protein context (NP_001167618.1, residues 390-402): DRLYSMQSSY[Phe400=]AS

ClinVar aggregate classification (germline): Benign/Likely benign. Review status: criteria provided, multiple submitters, no conflicts (2 of 4 stars). 5 submissions from 5 submitters: Benign (2); Likely benign (2). 1 of the submissions does not count toward it. Last evaluated 2026-01-03.

Conditions:
Nail-patella-like renal disease. Also called: GLOMERULAR BASEMENT MEMBRANE DISEASE, NAIL-PATELLA SYNDROME TYPE; Focal Segmental Glomerulosclerosis 10. Identifiers: Orphanet 2613, MedGen C0403548, MONDO:0009724, OMIM 256020.
Nail-patella syndrome (NPS). Also called: FONG DISEASE; ONYCHOOSTEODYSPLASIA; TURNER-KIESER SYNDROME. Identifiers: Orphanet 2614, MedGen C0027341, MONDO:0008061, OMIM 161200.
LMX1B-related disorder. Also called: LMX1B-related condition.

Allele frequency attached by ClinVar (database versions not stated): 1000 Genomes Project 30x 0.00016; 1000 Genomes Project 0.00020; gnomAD exomes 0.00030 and 0.00058; ESP Exome Variant Server 0.00031; TOPMed 0.00036; ExAC 0.00037.
gnomAD v4.1: 925 of 1,613,980 alleles (0.057%); highest among the groups gnomAD compares: Non-Finnish European, 0.072%; no homozygotes.

Submissions (5):

Labcorp Genetics (formerly Invitae), Labcorp
Classification: Benign. Last evaluated: 2026-01-03. Review status: criteria provided, single submitter. Criteria: Invitae Variant Classification Sherloc (09022015). Collection method: clinical testing. Allele origin: germline.

Laboratory of Genetics, Children's Clinical University Hospital Latvia
Classification: Likely benign. Last evaluated: 2025-02-16. Review status: criteria provided, single submitter. Criteria: ACMG Guidelines, 2015. Collection method: clinical testing. Allele origin: germline. Affected: yes.

Fulgent Genetics
Classification: Likely benign for Nail-patella syndrome; Nail-patella-like renal disease. Last evaluated: 2021-08-03. Review status: criteria provided, single submitter. Criteria: ACMG Guidelines, 2015. Collection method: clinical testing. Allele origin: unknown.

Illumina Laboratory Services, Illumina
Classification: Benign for Nail-patella syndrome. Last evaluated: 2017-04-28. Review status: criteria provided, single submitter. Criteria: ICSL Variant Classification Criteria 13 December 2019. Collection method: clinical testing. Allele origin: germline.
Comment: This variant was observed as part of a predisposition screen in an ostensibly healthy population. A literature search was performed for the gene, cDNA change, and amino acid change (where applicable). No publications were found based on this search. Allele frequency data from public databases was too high to be consistent with this variant causing disease. Therefore, this variant is classified as benign.

PreventionGenetics, part of Exact Sciences
Classification: Likely benign for LMX1B-related condition. Last evaluated: 2019-03-29. Review status: no assertion criteria provided. Collection method: clinical testing. Allele origin: germline. Not counted in ClinVar's aggregate classification.
Comment: This variant is classified as likely benign based on ACMG/AMP sequence variant interpretation guidelines (Richards et al. 2015 PMID: 25741868, with internal and published modifications).